The following is an entry in ClinVar:

NM_003900.5(SQSTM1):c.792AAG[1] (p.Arg265del)

Gene: SQSTM1 (sequestosome 1; plus strand). Cytogenetic location: 5q35.3.
Variant type: Microsatellite.
Coding change: c.792AAG[1] on transcript NM_003900.5 (MANE Select); one copy of the 3-base unit AAG starting at c.792; the reference has two copies in a row; one copy, 3 bases deleted.
Protein change: p.Arg265del; deletes arginine 265.
Molecular consequence: inframe deletion.
Genome position (GRCh38, 1-based): chr5:179,833,072-179,833,074, AAG deleted; deleting any 3 consecutive bases within chr5:179,833,069-179,833,074 gives the same sequence; the position shown is the placement nearest the transcript's 3' end. VCF-style (leftmost placement, unchanged base first): chr5-179833068-AAAG-A. GRCh37 (hg19) VCF-style: chr5-179260068-AAAG-A.
Other names: c.540AAG[1], p.Arg181del (NM_001142298.2, NM_001142299.2); short protein forms R181del, R265del.
Identifiers: ClinVar variation 2922972 (VCV002922972.3), dbSNP rs1758314190, ClinGen allele CA1085049664.

ClinVar aggregate classification (germline): Uncertain significance (1 of 4 stars; one submission).

Conditions:
Paget disease of bone 2, early-onset (PDB2). Also called: Paget disease of bone 2. Identifiers: MedGen C4085251, MONDO:0011183, OMIM 602080.
Frontotemporal dementia and/or amyotrophic lateral sclerosis 1 (FTDALS1). Also called: Frontotemporal dementia with motor neuron disease 1; C9orf72 Frontotemporal Dementia and/or Amyotrophic Lateral Sclerosis. Identifiers: Orphanet 275872, MedGen C5779877, MONDO:0007105, OMIM 105550.

Submission:

Labcorp Genetics (formerly Invitae), Labcorp
Classification: Uncertain significance for Paget disease of bone 2, early-onset; Frontotemporal dementia and/or amyotrophic lateral sclerosis 1. Last evaluated: 2023-08-29. Review status: criteria provided, single submitter. Criteria: Invitae Variant Classification Sherloc (09022015). Collection method: clinical testing. Allele origin: germline.
Comment: In summary, the available evidence is currently insufficient to determine the role of this variant in disease. Therefore, it has been classified as a Variant of Uncertain Significance. Experimental studies and prediction algorithms are not available or were not evaluated, and the functional significance of this variant is currently unknown. This variant has not been reported in the literature in individuals affected with SQSTM1-related conditions. This variant is not present in population databases (gnomAD no frequency). This variant, c.795_797del, results in the deletion of 1 amino acid(s) of the SQSTM1 protein (p.Arg265del), but otherwise preserves the integrity of the reading frame.